The following is an entry in ClinVar:

NC_000004.11:g.(?_186420814)_(186457712_?)dup

Gene: PDLIM3 (PDZ and LIM domain 3; minus strand). Cytogenetic location: 4q35.1.
Variant type: Duplication.
Identifiers: ClinVar variation 1017196 (VCV001017196.1).

ClinVar aggregate classification (germline): Uncertain significance (1 of 4 stars; one submission).

Conditions:
Primary dilated cardiomyopathy (DCM). Also called: Dilated Cardiomyopathy. Identifiers: Orphanet 217604, MedGen C0007193, MeSH D002311, MONDO:0005021, HP:0001644. Inheritance: Various modes of inheritance.
Hypertrophic cardiomyopathy. Also called: HYPERTROPHIC MYOCARDIOPATHY. Identifiers: Orphanet 217569, MedGen C0007194, MeSH D002312, MONDO:0005045, HP:0001639.

Submission:

Labcorp Genetics (formerly Invitae), Labcorp
Classification: Uncertain significance for Hypertrophic cardiomyopathy; Primary dilated cardiomyopathy. Last evaluated: 2020-10-21. Review status: criteria provided, single submitter. Criteria: Invitae Variant Classification Sherloc (09022015). Collection method: clinical testing. Allele origin: germline.
Comment: A copy number gain of the genomic region encompassing the full coding sequence of the PDLIM3 gene has been identified. The boundaries of this event are unknown as they extend beyond the assayed region for this gene and therefore may encompass additional genes. As the precise location of this event is unknown, it may be in tandem or it may be located elsewhere in the genome. This variant has not been reported in the literature in individuals with PDLIM3-related conditions. Experimental studies and prediction algorithms are not available or were not evaluated, and the functional significance of this variant is currently unknown. In summary, the available evidence is currently insufficient to determine the role of this variant in disease. Therefore, it has been classified as a Variant of Uncertain Significance.